The following is an entry in ClinVar:

NM_130468.4(CHST14):c.611A>G (p.Gln204Arg)

Gene: CHST14 (carbohydrate sulfotransferase 14; plus strand). Cytogenetic location: 15q15.1.
Variant type: single nucleotide variant.
Coding change: c.611A>G on transcript NM_130468.4 (MANE Select); coding-DNA position 611, A replaced by G.
Protein change: p.Gln204Arg; replaces glutamine 204 with arginine.
Molecular consequence: missense variant.
Genome position (GRCh38, 1-based): chr15:40,471,824, A>G. VCF-style: chr15-40471824-A-G. GRCh37 (hg19) VCF-style: chr15-40764023-A-G.
Other names: short protein forms Q204R.
Identifiers: ClinVar variation 3229037 (VCV003229037.1), dbSNP rs1201438720, ClinGen allele CA391766411.
Genomic context (GRCh38, chr15:40,471,824, plus strand): 5'-ACCGCAGTGACCTGGTGTTCCTGGCCGACCTGCGGCCTGAGGAGATTCGCTACCGCCTGC[A>G]GCACTACTTTAAGTTCCTGTTTGTGCGGGAGCCCTTGGAACGCCTCCTCTCTGCCTACCG-3'
Protein context (NP_569735.1, residues 194-214): LRPEEIRYRL[Gln204Arg]HYFKFLFVRE

ClinVar aggregate classification (germline): Uncertain significance (1 of 4 stars; one submission).

Conditions:
Cardiovascular phenotype. Identifiers: MedGen CN230736.

Allele frequency attached by ClinVar (database versions not stated): gnomAD 0.00001; TOPMed 0.00001.

Submission:

Ambry Genetics
Classification: Uncertain significance for Cardiovascular phenotype. Last evaluated: 2023-12-29. Review status: criteria provided, single submitter. Criteria: Ambry Variant Classification Scheme 2023. Collection method: clinical testing. Allele origin: germline.
Comment: The p.Q204R variant (also known as c.611A>G), located in coding exon 1 of the CHST14 gene, results from an A to G substitution at nucleotide position 611. The glutamine at codon 204 is replaced by arginine, an amino acid with highly similar properties. This amino acid position is conserved. In addition, this alteration is predicted to be tolerated by in silico analysis. Since supporting evidence is limited at this time, the clinical significance of this alteration remains unclear.